The following is an entry in ClinVar:

ClinVar aggregate classification (germline): Likely benign (1 of 4 stars; one submission).

Submission:

CeGaT Center for Human Genetics Tuebingen
Classification: Likely benign. Last evaluated: 2024-01-01. Review status: criteria provided, single submitter. Criteria: CeGaT Center For Human Genetics Tuebingen Variant Classification Criteria Version 2. Collection method: clinical testing. Allele origin: germline. Affected: yes. Observed: 1 variant allele.
Comment: ATP7A: PM2:Supporting, BP4, BP7

NM_000052.7(ATP7A):c.1083A>C (p.Ser361=)

Gene: ATP7A (ATPase copper transporting alpha; plus strand). Cytogenetic location: Xq21.1.
Variant type: single nucleotide variant.
Coding change: c.1083A>C on transcript NM_000052.7 (MANE Select); coding-DNA position 1083, A replaced by C.
Protein change: p.Ser361=; no amino-acid change (serine 361 retained).
Molecular consequence: synonymous variant.
Genome position (GRCh38, 1-based): chrX:77,989,705, A>C. VCF-style: chrX-77989705-A-C. GRCh37 (hg19) VCF-style: chrX-77245201-A-C.
Other names: c.1083A>C, p.Ser361= (NM_001282224.2).
Identifiers: ClinVar variation 3026076 (VCV003026076.22), dbSNP rs2522294577, ClinGen allele CA517464372.